The following is an entry in ClinVar:

NM_024809.5(TCTN2):c.1550dup (p.His517fs)

Gene: TCTN2 (tectonic family member 2; plus strand). Cytogenetic location: 12q24.31.
Variant type: Duplication.
Coding change: c.1550dup on transcript NM_024809.5 (MANE Select); coding-DNA position 1550, one base duplicated (A; older notation c.1550dupA).
Protein change: p.His517fs; shifts the reading frame from histidine 517.
Molecular consequence: frameshift variant.
Genome position (GRCh38, 1-based): chr12:123,699,748, A duplicated. VCF-style (leftmost placement, unchanged base first): chr12-123699747-C-CA. GRCh37 (hg19) VCF-style: chr12-124184294-C-CA.
Other names: c.1547dup, p.His516fs (NM_001143850.3); c.1415dup, p.His472fs (NM_001410989.1); c.1550dupA (NM_024809.5); short protein forms H472fs, H516fs, H517fs.
Identifiers: ClinVar variation 3064004 (VCV003064004.2), dbSNP rs2541798281, ClinGen allele CA2740097621.

ClinVar aggregate classification (germline): Pathogenic/Likely pathogenic. Review status: criteria provided, multiple submitters, no conflicts (2 of 4 stars). 2 submissions from 2 submitters: Pathogenic (1); Likely pathogenic (1). Last evaluated 2024-01-19.

Conditions:
Meckel syndrome, type 8. Identifiers: Orphanet 564, MedGen C3836857, MONDO:0013482, OMIM 613885.
Joubert syndrome 24 (JBTS24). Identifiers: Orphanet 475, MedGen C4084841, MONDO:0014724, OMIM 616654.
Joubert syndrome and related disorders. Identifiers: Orphanet 140874, MedGen C5679612, MONDO:0015369.

Submissions (2):

Women's Health and Genetics/Laboratory Corporation of America, LabCorp
Classification: Pathogenic for Joubert syndrome and related disorders. Last evaluated: 2024-01-19. Review status: criteria provided, single submitter. Criteria: LabCorp Variant Classification Summary - May 2015. Collection method: clinical testing. Allele origin: germline.
Comment: Variant summary: TCTN2 c.1550dupA (p.His517GlnfsX12) results in a premature termination codon, predicted to cause a truncation of the encoded protein or absence of the protein due to nonsense mediated decay, which are commonly known mechanisms for disease. The variant was absent in 251382 control chromosomes. To our knowledge, no occurrence of c.1550dupA in individuals affected with Joubert Syndrome And Related Disorders and no experimental evidence demonstrating its impact on protein function have been reported. No submitters have cited clinical-significance assessments for this variant to ClinVar. Based on the evidence outlined above, the variant was classified as pathogenic.

Fulgent Genetics
Classification: Likely pathogenic for Meckel syndrome, type 8; Joubert syndrome 24. Last evaluated: 2024-01-06. Review status: criteria provided, single submitter. Criteria: ACMG Guidelines, 2015. Collection method: clinical testing. Allele origin: germline.